The following is an entry in ClinVar:

ClinVar aggregate classification (germline): Benign/Likely benign. Review status: criteria provided, multiple submitters, no conflicts (2 of 4 stars). 2 submissions from 2 submitters: Benign (1); Likely benign (1). Last evaluated 2026-04-23.

Conditions:
Colorectal cancer, susceptibility to, 1. Also called: COLORECTAL ADENOMA AND CANCER, SUSCEPTIBILITY TO; COLORECTAL CANCER, SUSCEPTIBILITY TO, ON CHROMOSOME 9. Identifiers: MedGen C1837315, MONDO:0012132, OMIM 608812.

Allele frequency attached by ClinVar (database versions not stated): gnomAD 0.00001; TOPMed 0.00001.
gnomAD v4.1: 3 of 1,528,258 alleles (0.0002%); highest among the groups gnomAD compares: African/African-American, 0.0014%; no homozygotes.

Submissions (2):

Myriad Genetics, Inc.
Classification: Benign for Colorectal cancer, susceptibility to, 1. Last evaluated: 2026-04-23. Review status: criteria provided, single submitter. Criteria: Myriad Autosomal Dominant, Autosomal Recessive and X-Linked Classification Criteria (2023). Collection method: clinical testing. Allele origin: unknown.
Comment: This variant is considered benign. This variant is a silent/synonymous amino acid change and it is not expected to impact splicing.

Ambry Genetics
Classification: Likely benign. Last evaluated: 2018-08-23. Review status: criteria provided, single submitter. Criteria: Ambry Variant Classification Scheme 2023. Collection method: clinical testing. Allele origin: germline.

NM_024642.5(GALNT12):c.291C>T (p.Ser97=)

Gene: GALNT12 (polypeptide N-acetylgalactosaminyltransferase 12; plus strand). Cytogenetic location: 9q22.33.
Variant type: single nucleotide variant.
Coding change: c.291C>T on transcript NM_024642.5 (MANE Select); coding-DNA position 291, C replaced by T.
Protein change: p.Ser97=; no amino-acid change (serine 97 retained).
Molecular consequence: synonymous variant.
Genome position (GRCh38, 1-based): chr9:98,807,989, C>T. VCF-style: chr9-98807989-C-T. GRCh37 (hg19) VCF-style: chr9-101570271-C-T.
Identifiers: ClinVar variation 822270 (VCV000822270.5), dbSNP rs1238437424, ClinGen allele CA466647565.